The following is an entry in ClinVar:

ClinVar aggregate classification (germline): Likely pathogenic (1 of 4 stars; one submission).

Conditions:
Myelodysplastic syndrome (MDS). Also called: Myelodysplastic syndrome, somatic; MYELODYSPLASTIC SYNDROME, SUSCEPTIBILITY TO; Myelodysplastic syndromes. Identifiers: Orphanet 52688, MedGen C3463824, MeSH D009190, MONDO:0018881, OMIM 614286.
Bohring-Opitz syndrome. Also called: OPITZ TRIGONOCEPHALY-LIKE SYNDROME; ASXL1-Related Bohring-Opitz Syndrome; C-LIKE SYNDROME; BOHRING SYNDROME. Identifiers: Orphanet 97297, MedGen C0796232, MONDO:0011510, OMIM 605039.

gnomAD v4.1: 1 of 1,613,610 alleles (0.000062%); highest among the groups gnomAD compares: Non-Finnish European, 0.000085%; no homozygotes.

Submission:

Juno Genomics, Hangzhou Juno Genomics, Inc
Classification: Likely pathogenic for Myelodysplastic syndrome; Bohring-Opitz syndrome. Review status: criteria provided, single submitter. Criteria: ACMG Guidelines, 2015. Collection method: clinical testing. Allele origin: germline.
Comment: Absent from controls (or at extremely low frequency if recessive) in Genome Aggregation Database.;Null variant in a gene where loss of function (LOF) is a known mechanism of disease.

NM_015338.6(ASXL1):c.1012C>T (p.Arg338Ter)

Gene: ASXL1 (ASXL transcriptional regulator 1; plus strand). Cytogenetic location: 20q11.21.
Variant type: single nucleotide variant.
Coding change: c.1012C>T on transcript NM_015338.6 (MANE Select); coding-DNA position 1012, C replaced by T.
Protein change: p.Arg338Ter; replaces arginine 338 with a stop codon.
Molecular consequence: nonsense.
Genome position (GRCh38, 1-based): chr20:32,432,912, C>T. VCF-style: chr20-32432912-C-T. GRCh37 (hg19) VCF-style: chr20-31020715-C-T.
Other names: c.829C>T, p.Arg277Ter (NM_001363734.1); short protein forms R277*, R338*.
Identifiers: ClinVar variation 5019513 (VCV005019513.2).